The following is an entry in ClinVar:

ClinVar aggregate classification (germline): Benign/Likely benign. Review status: criteria provided, multiple submitters, no conflicts (2 of 4 stars). 2 submissions from 2 submitters: Benign (1); Likely benign (1). Last evaluated 2025-03-24.

Submissions (2):

Labcorp Genetics (formerly Invitae), Labcorp
Classification: Benign. Last evaluated: 2025-03-24. Review status: criteria provided, single submitter. Criteria: Invitae Variant Classification Sherloc (09022015). Collection method: clinical testing. Allele origin: germline.

GeneDx
Classification: Likely benign. Last evaluated: 2019-02-12. Review status: criteria provided, single submitter. Criteria: GeneDx Variant Classification Process June 2021. Collection method: clinical testing. Allele origin: germline. Affected: yes.
Comment: See Variant Classification Assertion Criteria.

NM_001042545.2(LTBP4):c.1427-3del

Gene: LTBP4 (latent transforming growth factor beta binding protein 4; plus strand). Cytogenetic location: 19q13.2.
Variant type: Deletion.
Coding change: c.1427-3del on transcript NM_001042545.2 (MANE Select); 3 bases into the intron before coding-DNA position 1427, one base deleted (C; older notation c.1427-3delC).
Molecular consequence: intron variant.
Genome position (GRCh38, 1-based): chr19:40,609,527, C deleted; the last of 6 consecutive C bases (chr19:40,609,522-40,609,527); deleting any one gives the same sequence. VCF-style (leftmost placement, unchanged base first): chr19-40609521-AC-A. GRCh37 (hg19) VCF-style: chr19-41115427-AC-A.
Other names: c.1517-3del (NM_003573.2); c.1628-3del (NM_001042544.1).
Identifiers: ClinVar variation 1804625 (VCV001804625.3), dbSNP rs752430637, ClinGen allele CA9448311.